The following is an entry in ClinVar:

NM_004999.4(MYO6):c.3257G>A (p.Arg1086His)

Gene: MYO6 (myosin VI; plus strand). Cytogenetic location: 6q14.1.
Variant type: single nucleotide variant.
Coding change: c.3257G>A on transcript NM_004999.4 (MANE Select); coding-DNA position 3257, G replaced by A.
Protein change: p.Arg1086His; replaces arginine 1086 with histidine.
Molecular consequence: missense variant. On other transcripts: non-coding transcript variant (1).
Genome position (GRCh38, 1-based): chr6:75,907,685, G>A. VCF-style: chr6-75907685-G-A. GRCh37 (hg19) VCF-style: chr6-76617402-G-A.
Other names: c.3188G>A, p.Arg1063His (NM_001300899.2, NM_001368136.1); c.3245G>A, p.Arg1082His (NM_001368137.1); c.3173G>A, p.Arg1058His (NM_001368138.1); c.3284G>A, p.Arg1095His (NM_001368865.1, NM_001368866.1); short protein forms R1058H, R1063H, R1082H, R1086H, R1095H.
Identifiers: ClinVar variation 4685301 (VCV004685301.1).

ClinVar aggregate classification (germline): Uncertain significance (1 of 4 stars; one submission).

gnomAD v4.1: 59 of 1,612,388 alleles (0.0037%); highest among the groups gnomAD compares: Non-Finnish European, 0.0045%; no homozygotes.

Submission:

GeneDx
Classification: Uncertain significance. Last evaluated: 2025-07-12. Review status: criteria provided, single submitter. Criteria: GeneDx Variant Classification Process June 2021. Collection method: clinical testing. Allele origin: germline. Affected: yes.
Comment: Not observed at significant frequency in large population cohorts (gnomAD); In silico analysis supports that this missense variant has a deleterious effect on protein structure/function; Has not been previously published as pathogenic or benign to our knowledge